The following is an entry in ClinVar:

NM_000202.8(IDS):c.826_834del (p.Val276_Ala278del)

Genes: IDS (iduronate 2-sulfatase; minus strand), LOC106050102 (IDS recombination region; plus strand). Cytogenetic location: Xq28.
Variant type: Deletion.
Coding change: c.826_834del on transcript NM_000202.8 (MANE Select); coding-DNA positions 826 to 834, 9 bases deleted (GTCCAAGCC; older notation c.826_834delGTCCAAGCC).
Protein change: p.Val276_Ala278del.
Molecular consequence: inframe deletion. On other transcripts: non-coding transcript variant (1).
Genome position (GRCh38, 1-based): chrX:149,496,391-149,496,399, GGCTTGGAC deleted on the plus strand (GTCCAAGCC on the coding strand, the reverse complement: IDS is on the minus strand); deleting any 9 consecutive bases within chrX:149,496,391-149,496,400 gives the same sequence; the c. name uses the placement nearest the transcript's 3' end. VCF-style (leftmost placement, unchanged base first): chrX-149496390-AGGCTTGGAC-A. GRCh37 (hg19) VCF-style: chrX-148577921-AGGCTTGGAC-A.
Other names: c.556_564del, p.Val186_Ala188del (NM_001166550.4); c.826_834del, p.Val276_Ala278del (NM_006123.5).
Identifiers: ClinVar variation 3255858 (VCV003255858.2).

ClinVar aggregate classification (germline): Likely pathogenic (1 of 4 stars; one submission).

Conditions:
Mucopolysaccharidosis, MPS-II (MPS2). Also called: Hunter Syndrome; IDURONATE 2-SULFATASE DEFICIENCY; Mucopolysaccharidosis Type II; Mucopolysaccharidosis type 2; Attenuated MPS (subtype; formerly known as mild MPS II); Severe MPS II. Identifiers: Orphanet 580, Orphanet 79388, MedGen C0026705, MONDO:0010674, OMIM 309900.

Submission:

Laboratory of Diagnosis and Therapy of Lysosomal Disorders, University of Padova
Classification: Likely pathogenic for Mucopolysaccharidosis, MPS-II. Last evaluated: 2024-06-07. Review status: criteria provided, single submitter. Criteria: ACMG Guidelines, 2015. Collection method: literature only. Allele origin: germline. Affected: yes. Observed: 1 variant allele.
Comment: Absent from controls (or at low frequency) in gnomAD database (PM2_Moderate), Protein length changes in a nonrepeat region or stop–loss variants (PM4_Moderate), Multiple lines of computational evidence support a deleterious effect (PP3_Supporting), Patient’s phenotype or family history highly specific for the disease (PP4_Strong)

Classification method: ACMG Guidelines [PMID:25741868] with modifications

Literature cited by the submitters: PubMed 22976768.